The following is an entry in ClinVar:

ClinVar aggregate classification (germline): Uncertain significance. Review status: criteria provided, multiple submitters, no conflicts (2 of 4 stars). 2 submissions from 2 submitters: Uncertain significance (2). Last evaluated 2026-05-11.

Allele frequency attached by ClinVar (database versions not stated): ExAC 0.00001; gnomAD exomes 0.00001.

Submissions (3):

GeneDx
Classification: Uncertain significance. Last evaluated: 2026-05-11. Review status: criteria provided, single submitter. Criteria: GeneDx Variant Classification Process June 2021. Collection method: clinical testing. Allele origin: germline.
Comment: Not observed at significant frequency in large population cohorts (gnomAD); In silico analysis supports that this missense variant has a deleterious effect on protein structure/function; Has not been previously published as pathogenic or benign to our knowledge

Labcorp Genetics (formerly Invitae), Labcorp
Classification: Uncertain significance. Last evaluated: 2025-03-17. Review status: criteria provided, single submitter. Criteria: Invitae Variant Classification Sherloc (09022015). Collection method: clinical testing. Allele origin: germline.
Comment: This sequence change replaces arginine, which is basic and polar, with glutamine, which is neutral and polar, at codon 345 of the COX15 protein (p.Arg345Gln). This variant is present in population databases (rs752947693, gnomAD 0.003%). This variant has not been reported in the literature in individuals affected with COX15-related conditions. ClinVar contains an entry for this variant (Variation ID: 2187925). An algorithm developed to predict the effect of missense changes on protein structure and function outputs the following: PolyPhen-2: "Benign". The glutamine amino acid residue is found in multiple mammalian species, which suggests that this missense change does not adversely affect protein function. In summary, the available evidence is currently insufficient to determine the role of this variant in disease. Therefore, it has been classified as a Variant of Uncertain Significance.

Dr. Peter K. Rogan Lab, Western University
No classification provided (evidence only). Condition: Melanoma. Review status: no classification provided. Collection method: in vitro. Allele origin: not applicable. Functional consequence: retained intron. Not counted in ClinVar's aggregate classification.

NM_078470.6(COX15):c.1034G>A (p.Arg345Gln)

Gene: COX15 (cytochrome c oxidase assembly factor COX15; minus strand). Cytogenetic location: 10q24.2.
Variant type: single nucleotide variant.
Coding change: c.1034G>A on transcript NM_078470.6 (MANE Select); coding-DNA position 1034, G replaced by A.
Protein change: p.Arg345Gln; replaces arginine 345 with glutamine.
Molecular consequence: missense variant. On other transcripts: synonymous variant (2), non-coding transcript variant (1).
Genome position (GRCh38, 1-based): chr10:99,716,415, C>T on the plus strand (G>A on the coding strand, the complement: COX15 is on the minus strand). VCF-style: chr10-99716415-C-T. GRCh37 (hg19) VCF-style: chr10-101476172-C-T.
Other names: c.1034G>A, p.Arg345Gln (NM_001320974.2, NM_001372024.1, NM_001372027.1 and 1 more transcripts); c.879G>A, p.Ser293= (NM_001320975.2, NM_001372028.1); c.497G>A, p.Arg166Gln (NM_001320976.2); c.1052G>A, p.Arg351Gln (NM_001372025.1); c.1007G>A, p.Arg336Gln (NM_001372026.1); short protein forms R166Q, R345Q, R351Q, R336Q.
Identifiers: ClinVar variation 2187925 (VCV002187925.5), dbSNP rs752947693, ClinGen allele CA5642105.